The following is an entry in ClinVar:

ClinVar aggregate classification (germline): Conflicting classifications of pathogenicity. Review status: criteria provided, conflicting classifications (1 of 4 stars). 5 submissions from 4 submitters: Uncertain significance (1); Benign (1); Likely benign (3). Last evaluated 2026-01-22.

Conditions:
Congenital stationary night blindness autosomal dominant 2. Also called: NIGHT BLINDNESS, CONGENITAL STATIONARY, RAMBUSCH TYPE. Identifiers: Orphanet 215, MedGen C1876182, MONDO:0008099, OMIM 163500.
PDE6B-related disorder. Also called: PDE6B-related disorders; PDE6B-related disease; PDE6B-related condition.
Retinitis pigmentosa (RP). Identifiers: Orphanet 791, MedGen C0035334, MeSH D012174, MONDO:0019200, OMIM 268000. Inheritance: Autosomal dominant, autosomal recessive and X linked inheritance.

Allele frequency attached by ClinVar (database versions not stated): gnomAD exomes 0.00018 and 0.00026; ExAC 0.00032; TOPMed 0.00054; gnomAD 0.00056; 1000 Genomes Project 30x 0.00078; 1000 Genomes Project 0.00080; ESP Exome Variant Server 0.00131.
gnomAD v4.1: 349 of 1,612,528 alleles (0.022%); highest among the groups gnomAD compares: African/African-American, 0.19%; no homozygotes.

Submissions (5):

Labcorp Genetics (formerly Invitae), Labcorp
Classification: Likely benign. Last evaluated: 2026-01-22. Review status: criteria provided, single submitter. Criteria: Invitae Variant Classification Sherloc (09022015). Collection method: clinical testing. Allele origin: germline.

PreventionGenetics, part of Exact Sciences
Classification: Likely benign for PDE6B-related condition. Last evaluated: 2025-01-03. Review status: criteria provided, single submitter. Criteria: ACMG Guidelines, 2015. Collection method: clinical testing. Allele origin: germline.
Comment: This variant is classified as likely benign based on ACMG/AMP sequence variant interpretation guidelines (Richards et al. 2015 PMID: 25741868, with internal and published modifications).

Blueprint Genetics
Classification: Likely benign. Last evaluated: 2024-10-16. Review status: criteria provided, single submitter. Criteria: ACMG Guidelines, 2015. Collection method: clinical testing. Allele origin: germline.

Illumina Laboratory Services, Illumina
Classification: Uncertain significance for Retinitis pigmentosa. Last evaluated: 2018-01-13. Review status: criteria provided, single submitter. Criteria: ICSL Variant Classification Criteria 13 December 2019. Collection method: clinical testing. Allele origin: germline.

Illumina Laboratory Services, Illumina
Classification: Benign for Congenital stationary night blindness autosomal dominant 2. Last evaluated: 2018-01-13. Review status: criteria provided, single submitter. Criteria: ICSL Variant Classification Criteria 13 December 2019. Collection method: clinical testing. Allele origin: germline.
Comment: This variant was observed in the ICSL laboratory as part of a predisposition screen in an ostensibly healthy population. It had not been previously curated by ICSL or reported in the Human Gene Mutation Database (HGMD: prior to June 1st, 2018), and was therefore a candidate for classification through an automated scoring system. Utilizing variant allele frequency, disease prevalence and penetrance estimates, and inheritance mode, an automated score was calculated to assess if this variant is too frequent to cause the disease. Based on the score and internal cut-off values, a variant classified as benign is not then subjected to further curation. The score for this variant resulted in a classification of benign for this disease.

NM_000283.4(PDE6B):c.2470A>G (p.Lys824Glu)

Gene: PDE6B (phosphodiesterase 6B; plus strand). Cytogenetic location: 4p16.3.
Variant type: single nucleotide variant.
Coding change: c.2470A>G on transcript NM_000283.4 (MANE Select); coding-DNA position 2470, A replaced by G.
Protein change: p.Lys824Glu; replaces lysine 824 with glutamic acid.
Molecular consequence: missense variant. On other transcripts: intron variant (2).
Genome position (GRCh38, 1-based): chr4:667,973, A>G. VCF-style: chr4-667973-A-G. GRCh37 (hg19) VCF-style: chr4-661762-A-G.
Other names: c.2470A>G, p.Lys824Glu (NM_001145291.2); c.1633A>G, p.Lys545Glu (NM_001145292.2, NM_001379246.1, NM_001379247.1); c.1601+32A>G (NM_001350154.3); c.1283+32A>G (NM_001350155.3); short protein forms K545E, K824E.
Identifiers: ClinVar variation 905723 (VCV000905723.13), dbSNP rs138682290, ClinGen allele CA2795068.